The following is an entry in ClinVar:

ClinVar aggregate classification (germline): Uncertain significance (1 of 4 stars; one submission).

Conditions:
Inborn genetic diseases. Identifiers: MedGen C0950123, MeSH D030342.

gnomAD v4.1: 1 of 1,613,894 alleles (0.000062%); highest among the groups gnomAD compares: Non-Finnish European, 0.000085%; no homozygotes.

Submission:

Ambry Genetics
Classification: Uncertain significance for Inborn genetic diseases. Last evaluated: 2026-05-27. Review status: criteria provided, single submitter. Criteria: Ambry Variant Classification Scheme 2023. Collection method: clinical testing. Allele origin: germline.
Comment: The p.I609F variant (also known as c.1825A>T), located in coding exon 1 of the SAMD9L gene, results from an A to T substitution at nucleotide position 1825. The isoleucine at codon 609 is replaced by phenylalanine, an amino acid with highly similar properties. This amino acid position is conserved. In addition, this alteration is predicted to be tolerated by in silico analysis. Based on the available evidence, the clinical significance of this variant remains unclear.

NM_152703.5(SAMD9L):c.1825A>T (p.Ile609Phe)

Gene: SAMD9L (sterile alpha motif domain containing 9 like; minus strand). Cytogenetic location: 7q21.2.
Variant type: single nucleotide variant.
Coding change: c.1825A>T on transcript NM_152703.5 (MANE Select); coding-DNA position 1825, A replaced by T.
Protein change: p.Ile609Phe; replaces isoleucine 609 with phenylalanine.
Molecular consequence: missense variant.
Genome position (GRCh38, 1-based): chr7:93,134,147, T>A on the plus strand (A>T on the coding strand, the complement: SAMD9L is on the minus strand). VCF-style: chr7-93134147-T-A. GRCh37 (hg19) VCF-style: chr7-92763460-T-A.
Other names: c.1825A>T, p.Ile609Phe (NM_001303496.3, NM_001303497.3, NM_001303498.3 and 5 more transcripts); short protein forms I609F.
Identifiers: ClinVar variation 4864016 (VCV004864016.1).
Genomic context (GRCh38, chr7:93,134,147, plus strand): 5'-GAGTCACCGATTTTAGTTTAAGGATAGTGCTGTTTACCAGTTCTATATTTAAAGTGGAAA[T>A]ACTGTGGTTTGTTAGTTCATCTTCCATCTTCATTCTTGTTTGTAGTAGATCTTTCCATCG-3'
Protein context (NP_689916.2, residues 599-619): KMEDELTNHS[Ile609Phe]STLNIELVNS